The following is an entry in ClinVar:

ClinVar aggregate classification (germline): Pathogenic (1 of 4 stars; one submission).

Conditions:
Glycogen storage disease, type V (GSD5). Also called: MCARDLE DISEASE; MUSCLE GLYCOGEN PHOSPHORYLASE DEFICIENCY; MYOPHOSPHORYLASE DEFICIENCY; PYGM DEFICIENCY; McArdle type glycogen storage disease. Identifiers: Orphanet 368, MedGen C0017924, MONDO:0009293, OMIM 232600.

Submission:

Myriad Genetics, Inc.
Classification: Pathogenic for Glycogen storage disease, type V. Last evaluated: 2024-05-14. Review status: criteria provided, single submitter. Criteria: Myriad Autosomal Dominant, Autosomal Recessive and X-Linked Classification Criteria (2023). Collection method: clinical testing. Allele origin: unknown.
Comment: NM_005609.2(PYGM):c.1356_1374dup19(I459Rfs*22) is expected to be pathogenic in the context of glycogen storage disease, PYGM-related. This variant is predicted to lead to an abnormal or absent protein product due to the creation of a premature termination codon in PYGM, a gene where loss-of-function variants are known to be pathogenic. Please note: this variant was assessed in the context of healthy population screening.

NM_005609.4(PYGM):c.1356_1374dup (p.Ile459fs)

Gene: PYGM (glycogen phosphorylase, muscle associated; minus strand). Cytogenetic location: 11q13.1.
Variant type: Duplication.
Coding change: c.1356_1374dup on transcript NM_005609.4 (MANE Select); coding-DNA positions 1356 to 1374, 19 bases duplicated (CGTCAACGGCGTGGCGCGC).
Protein change: p.Ile459fs; shifts the reading frame from isoleucine 459.
Molecular consequence: frameshift variant.
Genome position (GRCh38, 1-based): chr11:64,753,548-64,753,566, GCGCGCCACGCCGTTGACG duplicated on the plus strand (CGTCAACGGCGTGGCGCGC on the coding strand, the reverse complement: PYGM is on the minus strand); duplicating any 19 consecutive bases within chr11:64,753,548-64,753,569 gives the same sequence; the c. name uses the placement nearest the transcript's 3' end. VCF-style (leftmost placement, unchanged base first): chr11-64753547-T-TGCGCGCCACGCCGTTGACG. GRCh37 (hg19) VCF-style: chr11-64521019-T-TGCGCGCCACGCCGTTGACG.
Other names: c.1092_1110dup, p.Ile371fs (NM_001164716.1); short protein forms I371fs, I459fs.
Identifiers: ClinVar variation 5014436 (VCV005014436.1).
Genomic context (GRCh38, chr11:64,753,547, plus strand): 5'-GAGAGGGGCGGGATCTGGAAAGCGGGGCTCACATGGTCTTCTTGAGGATCTCGGAGTGGA[T>TGCGCGCCACGCCGTTGACG]GCGCGCCACGCCGTTGACGGCGTGCGACCCCGCGATGCACAGGTGTGCCATGTTGATGCG-3'